The following is an entry in ClinVar:

ClinVar aggregate classification (germline): Uncertain significance (1 of 4 stars; one submission).

Conditions:
Hereditary cancer-predisposing syndrome. Also called: Neoplastic Syndromes, Hereditary; Tumor predisposition; Hereditary Cancer Syndrome; Hereditary neoplastic syndrome. Identifiers: Orphanet 140162, MedGen C0027672, MeSH D009386, MONDO:0015356.

Submission:

Ambry Genetics
Classification: Uncertain significance for Hereditary cancer-predisposing syndrome. Last evaluated: 2026-05-15. Review status: criteria provided, single submitter. Criteria: Ambry Variant Classification Scheme 2023. Collection method: clinical testing. Allele origin: germline.
Comment: The p.G656E variant (also known as c.1967G>A), located in coding exon 13 of the TSC1 gene, results from a G to A substitution at nucleotide position 1967. The glycine at codon 656 is replaced by glutamic acid, an amino acid with similar properties. This amino acid position is highly conserved in available vertebrate species. In addition, this alteration is predicted to be deleterious by in silico analysis. Based on the available evidence, the clinical significance of this variant remains unclear.

NM_000368.5(TSC1):c.1967G>A (p.Gly656Glu)

Gene: TSC1 (TSC complex subunit 1; minus strand). Cytogenetic location: 9q34.13.
Variant type: single nucleotide variant.
Coding change: c.1967G>A on transcript NM_000368.5 (MANE Select); coding-DNA position 1967, G replaced by A.
Protein change: p.Gly656Glu; replaces glycine 656 with glutamic acid.
Molecular consequence: missense variant.
Genome position (GRCh38, 1-based): chr9:132,905,611, C>T on the plus strand (G>A on the coding strand, the complement: TSC1 is on the minus strand). VCF-style: chr9-132905611-C-T. GRCh37 (hg19) VCF-style: chr9-135780998-C-T.
Other names: c.1964G>A, p.Gly655Glu (NM_001162426.2, NM_001406597.1, NM_001406598.1 and 6 more transcripts); c.1814G>A, p.Gly605Glu (NM_001162427.2, NM_001406610.1); c.1604G>A, p.Gly535Glu (NM_001362177.2, NM_001406616.1, NM_001406617.1 and 5 more transcripts); c.1967G>A, p.Gly656Glu (NM_001406592.1, NM_001406593.1, NM_001406594.1 and 7 more transcripts); c.1601G>A, p.Gly534Glu (NM_001406620.1, NM_001406621.1, NM_001406622.1 and 2 more transcripts); c.1811G>A, p.Gly604Glu (NM_001406611.1, NM_001406612.1, NM_001406613.1); c.1016G>A, p.Gly339Glu (NM_001406626.1); c.1013G>A, p.Gly338Glu (NM_001406627.1, NM_001406628.1); and 1 more; short protein forms G339E, G534E, G535E, G604E, G605E, G338E, G656E, G305E.
Identifiers: ClinVar variation 1783542 (VCV001783542.3), dbSNP rs1554815701, ClinGen allele CA375362344.
Genomic context (GRCh38, chr9:132,905,611, plus strand): 5'-AACACAGAAGAGAGTGCCCCAGTCCCTTACTTGTTCAGCTCCTTGCTGTGCGCGTCTGCT[C>T]CCTGCTGTATCAGTCTGTCCAGCACTTCCATTGGGGAGGTAGAGGGCACACCATCTTCCT-3'
Protein context (NP_000359.1, residues 646-666): MEVLDRLIQQ[Gly656Glu]ADAHSKELNK